The following is an entry in ClinVar:

NM_003664.5(AP3B1):c.2270A>G (p.Lys757Arg)

Gene: AP3B1 (adaptor related protein complex 3 subunit beta 1; minus strand). Cytogenetic location: 5q14.1.
Variant type: single nucleotide variant.
Coding change: c.2270A>G on transcript NM_003664.5 (MANE Select); coding-DNA position 2270, A replaced by G.
Protein change: p.Lys757Arg; replaces lysine 757 with arginine.
Molecular consequence: missense variant.
Genome position (GRCh38, 1-based): chr5:78,110,334, T>C on the plus strand (A>G on the coding strand, the complement: AP3B1 is on the minus strand). VCF-style: chr5-78110334-T-C. GRCh37 (hg19) VCF-style: chr5-77406158-T-C.
Other names: c.2123A>G, p.Lys708Arg (NM_001271769.2); short protein forms K708R, K757R.
Identifiers: ClinVar variation 1020557 (VCV001020557.9), dbSNP rs745461947, ClinGen allele CA3316813.

ClinVar aggregate classification (germline): Uncertain significance (1 of 4 stars; one submission).

Conditions:
Hermansky-Pudlak syndrome 2 (HPS2). Also called: Platelet defects and oculocutaneous albinism. Identifiers: Orphanet 183678, Orphanet 79430, MedGen C1842362, MONDO:0011997, OMIM 608233.

Allele frequency attached by ClinVar (database versions not stated): gnomAD exomes below 0.00001; ExAC 0.00001.
gnomAD v4.1: 1 of 1,609,366 alleles (0.000062%); highest among the groups gnomAD compares: Non-Finnish European, 0.000085%; no homozygotes.

Submission:

Labcorp Genetics (formerly Invitae), Labcorp
Classification: Uncertain significance for Hermansky-Pudlak syndrome 2. Last evaluated: 2025-04-22. Review status: criteria provided, single submitter. Criteria: Invitae Variant Classification Sherloc (09022015). Collection method: clinical testing. Allele origin: germline.
Comment: This sequence change replaces lysine, which is basic and polar, with arginine, which is basic and polar, at codon 757 of the AP3B1 protein (p.Lys757Arg). This variant is present in population databases (rs745461947, gnomAD 0.0009%). This variant has not been reported in the literature in individuals affected with AP3B1-related conditions. ClinVar contains an entry for this variant (Variation ID: 1020557). An algorithm developed to predict the effect of missense changes on protein structure and function (PolyPhen-2) suggests that this variant is likely to be tolerated. Algorithms developed to predict the effect of sequence changes on RNA splicing suggest that this variant may disrupt the consensus splice site. In summary, the available evidence is currently insufficient to determine the role of this variant in disease. Therefore, it has been classified as a Variant of Uncertain Significance.